The following is an entry in ClinVar:

ClinVar aggregate classification (germline): Uncertain significance (1 of 4 stars; one submission).

Conditions:
Hereditary cancer-predisposing syndrome. Also called: Neoplastic Syndromes, Hereditary; Tumor predisposition; Hereditary Cancer Syndrome; Hereditary neoplastic syndrome. Identifiers: Orphanet 140162, MedGen C0027672, MeSH D009386, MONDO:0015356.

gnomAD v4.1: 6 of 1,614,056 alleles (0.00037%); highest among the groups gnomAD compares: Admixed American, 0.0017%; no homozygotes.

Submission:

Ambry Genetics
Classification: Uncertain significance for Hereditary cancer-predisposing syndrome. Last evaluated: 2026-05-14. Review status: criteria provided, single submitter. Criteria: Ambry Variant Classification Scheme 2023. Collection method: clinical testing. Allele origin: germline.
Comment: The p.L288V variant (also known as c.862C>G), located in coding exon 9 of the MITF gene, results from a C to G substitution at nucleotide position 862. The leucine at codon 288 is replaced by valine, an amino acid with highly similar properties. This amino acid position is conserved. In addition, the in silico prediction for this alteration is inconclusive. Based on the available evidence, the clinical significance of this variant remains unclear.

NM_001354604.2(MITF):c.1183C>G (p.Leu395Val)

Gene: MITF (melanocyte inducing transcription factor; plus strand). Cytogenetic location: 3p13.
Variant type: single nucleotide variant.
Coding change: c.1183C>G on transcript NM_001354604.2 (MANE Select); coding-DNA position 1183, C replaced by G.
Protein change: p.Leu395Val; replaces leucine 395 with valine.
Molecular consequence: missense variant.
Genome position (GRCh38, 1-based): chr3:69,964,850, C>G. VCF-style: chr3-69964850-C-G. GRCh37 (hg19) VCF-style: chr3-70014001-C-G.
Other names: c.862C>G, p.Leu288Val (NM_000248.4); c.1009C>G, p.Leu337Val (NM_001184967.2, NM_001354608.2); c.1180C>G, p.Leu394Val (NM_001354605.2); c.1162C>G, p.Leu388Val (NM_001354606.2, NM_006722.3); c.1114C>G, p.Leu372Val (NM_001354607.2); c.844C>G, p.Leu282Val (NM_198158.3); c.1165C>G, p.Leu389Val (NM_198159.3); c.1117C>G, p.Leu373Val (NM_198177.3); and 1 more; short protein forms L226V, L282V, L288V, L337V, L372V, L373V, L388V, L389V.
Identifiers: ClinVar variation 4860070 (VCV004860070.1).